The following is an entry in ClinVar:

ClinVar aggregate classification (germline): Conflicting classifications of pathogenicity. Review status: criteria provided, conflicting classifications (1 of 4 stars). 4 submissions from 4 submitters: Uncertain significance (3); Benign (1). Last evaluated 2023-11-28.

Conditions:
Developmental and epileptic encephalopathy, 69. Also called: EPILEPTIC ENCEPHALOPATHY, EARLY INFANTILE, 69. Identifiers: MedGen C4748988, MONDO:0032657, OMIM 618285.

Allele frequency attached by ClinVar (database versions not stated): TOPMed below 0.00001; gnomAD 0.00001; gnomAD exomes 0.00001; ExAC 0.00002; 1000 Genomes Project 30x 0.00016; 1000 Genomes Project 0.00020.
gnomAD v4.1: 10 of 1,612,776 alleles (0.00062%); highest among the groups gnomAD compares: South Asian, 0.0077%; no homozygotes.

Submissions (4):

Labcorp Genetics (formerly Invitae), Labcorp
Classification: Benign. Last evaluated: 2023-11-28. Review status: criteria provided, single submitter. Criteria: Invitae Variant Classification Sherloc (09022015). Collection method: clinical testing. Allele origin: germline.

Genome-Nilou Lab
Classification: Uncertain significance for Developmental and epileptic encephalopathy, 69. Last evaluated: 2023-04-11. Review status: criteria provided, single submitter. Criteria: ACMG Guidelines, 2015. Collection method: clinical testing. Allele origin: germline. Affected: no.

GeneDx
Classification: Uncertain significance. Last evaluated: 2022-07-25. Review status: criteria provided, single submitter. Criteria: GeneDx Variant Classification Process June 2021. Collection method: clinical testing. Allele origin: germline. Affected: yes.
Comment: In silico analysis supports that this missense variant has a deleterious effect on protein structure/function; Has not been previously published as pathogenic or benign to our knowledge

Neuberg Centre For Genomic Medicine, NCGM
Classification: Uncertain significance for Developmental and epileptic encephalopathy, 69. Review status: criteria provided, single submitter. Criteria: ACMG Guidelines, 2015. Collection method: clinical testing. Allele origin: germline. Inheritance: Autosomal dominant inheritance. Affected: yes.
Comment: The missense variant in c.4565C>T (p.Ser1522Phe) in CACNA1E gene has not been reported previously as a pathogenic variant nor as a benign variant, to our knowledge. The p.Ser1522Phe variant is reported with the allele frequency (0.001%) in the gnomAD Exomes and is novel (not in any individuals) in 1000 Genomes. The amino acid Ser at position 1522 is changed to a Phe changing protein sequence and it might alter its composition and physico-chemical properties. The variant is predicted to be damaging by both SIFT and PolyPhen2. The residue is conserved across species. The amino acid change p.Ser1522Phe in CACNA1E is predicted as conserved by GERP++ and PhyloP across 100 vertebrates. For these reasons, this variant has been classified as Variant of Uncertain Significance (VUS).

NM_001205293.3(CACNA1E):c.4565C>T (p.Ser1522Phe)

Gene: CACNA1E (calcium voltage-gated channel subunit alpha1 E; plus strand). Cytogenetic location: 1q25.3.
Variant type: single nucleotide variant.
Coding change: c.4565C>T on transcript NM_001205293.3 (MANE Select); coding-DNA position 4565, C replaced by T.
Protein change: p.Ser1522Phe; replaces serine 1522 with phenylalanine.
Molecular consequence: missense variant.
Genome position (GRCh38, 1-based): chr1:181,758,828, C>T. VCF-style: chr1-181758828-C-T. GRCh37 (hg19) VCF-style: chr1-181727964-C-T.
Other names: c.4565C>T, p.Ser1522Phe (NM_000721.4); c.4508C>T, p.Ser1503Phe (NM_001205294.2); short protein forms S1503F, S1522F.
Identifiers: ClinVar variation 2412925 (VCV002412925.8), dbSNP rs576927174, ClinGen allele CA1275872.